The following is an entry in ClinVar:

NM_000059.4(BRCA2):c.3645_3646delinsTAAAAAG (p.Phe1216fs)

Gene: BRCA2 (BRCA2 DNA repair associated; plus strand). Cytogenetic location: 13q13.1.
Variant type: Indel.
Coding change: c.3645_3646delinsTAAAAAG on transcript NM_000059.4 (MANE Select); coding-DNA positions 3645 to 3646, GT replaced by TAAAAAG.
Protein change: p.Phe1216fs; shifts the reading frame from phenylalanine 1216.
Molecular consequence: frameshift variant.
Genome position (GRCh38, 1-based): chr13:32,338,000-32,338,001, GT replaced by TAAAAAG. VCF-style: chr13-32338000-GT-TAAAAAG. GRCh37 (hg19) VCF-style: chr13-32912137-GT-TAAAAAG.
Other names: 3873delGTinsTAAAAAG; c.3645_3646delGTinsTAAAAAG (NM_000059.3); short protein forms F1216fs.
Identifiers: ClinVar variation 51498 (VCV000051498.11), dbSNP rs397507679, ClinGen allele CA018463.

ClinVar aggregate classification (germline): Pathogenic. Review status: reviewed by expert panel (3 of 4 stars). 4 submissions from 4 submitters: Pathogenic (1). 3 of the submissions do not count toward it. Last evaluated 2016-10-18.

Conditions:
Hereditary cancer-predisposing syndrome. Also called: Neoplastic Syndromes, Hereditary; Tumor predisposition; Hereditary Cancer Syndrome; Hereditary neoplastic syndrome. Identifiers: Orphanet 140162, MedGen C0027672, MeSH D009386, MONDO:0015356.
Hereditary breast ovarian cancer syndrome. Also called: Hereditary breast and ovarian cancer syndrome; Hereditary breast and ovarian cancer; Hereditary breast and ovarian cancer syndrome (HBOC); Breast and ovarian cancer; Hereditary breast and/or ovarian cancer syndrome; BRCA1- and BRCA2-Associated Hereditary Breast and Ovarian Cancer. Identifiers: Orphanet 145, MedGen C0677776, MeSH D061325, MONDO:0003582. Disease mechanism: loss of function.
Breast-ovarian cancer, familial, susceptibility to, 2 (BROVCA2). Also called: BRCA2 Hereditary Breast and Ovarian Cancer. Identifiers: Orphanet 145, MedGen C2675520, MONDO:0012933, OMIM 612555. Disease mechanism: loss of function.

Submissions (4):

Evidence-based Network for the Interpretation of Germline Mutant Alleles (ENIGMA)
Classification: Pathogenic for Breast-ovarian cancer, familial, susceptibility to, 2. Last evaluated: 2016-10-18. Review status: reviewed by expert panel. Criteria: ENIGMA BRCA1/2 Classification Criteria (2015). Collection method: curation. Allele origin: germline.
Comment: Variant allele predicted to encode a truncated non-functional protein.

Labcorp Genetics (formerly Invitae), Labcorp
Classification: Pathogenic for Hereditary breast ovarian cancer syndrome. Last evaluated: 2024-04-29. Review status: criteria provided, single submitter. Criteria: Invitae Variant Classification Sherloc (09022015). Collection method: clinical testing. Allele origin: germline. Not counted in ClinVar's aggregate classification.
Comment: This sequence change creates a premature translational stop signal (p.Phe1216Lysfs*14) in the BRCA2 gene. It is expected to result in an absent or disrupted protein product. Loss-of-function variants in BRCA2 are known to be pathogenic (PMID: 20104584). Information on the frequency of this variant in the gnomAD database is not available, as this variant may be reported differently in the database. This premature translational stop signal has been observed in individual(s) with breast cancer (PMID: 12774040). This variant is also known as 3873delGTinsTAAAAAG (1229X). For these reasons, this variant has been classified as Pathogenic.

Color Diagnostics, LLC DBA Color Health
Classification: Pathogenic for Hereditary cancer-predisposing syndrome. Last evaluated: 2024-04-15. Review status: criteria provided, single submitter. Criteria: ACMG Guidelines, 2015. Collection method: clinical testing. Allele origin: germline. Not counted in ClinVar's aggregate classification.
Comment: This variant deletes 2 nucleotides and inserts 7 different nucleotides in exon 11 of the BRCA2 gene, creating a frameshift and premature translation stop signal. This variant is expected to result in an absent or non-functional protein product. This variant is also known as 3873delGTinsTAAAAAG in the literature. This variant has been reported in an individual affected with early-onset breast cancer (PMID: 12774040) and in four families among the CIMBA participants (PMID: 29446198). This variant has not been identified in the general population by the Genome Aggregation Database (gnomAD). Loss of BRCA2 function is a known mechanism of disease. Based on the available evidence, this variant is classified as Pathogenic.

Consortium of Investigators of Modifiers of BRCA1/2 (CIMBA), c/o University of Cambridge
Classification: Pathogenic for Breast-ovarian cancer, familial, susceptibility to, 2. Last evaluated: 2015-10-02. Review status: criteria provided, single submitter. Criteria: CIMBA Mutation Classification guidelines May 2016. Collection method: clinical testing. Allele origin: germline. Not counted in ClinVar's aggregate classification.

Literature cited by the submitters: PubMed 20104584 (cited by Labcorp Genetics (formerly Invitae), Labcorp); PubMed 12774040 (cited by Labcorp Genetics (formerly Invitae), Labcorp and Color Diagnostics, LLC DBA Color Health); PubMed 29446198 (cited by Color Diagnostics, LLC DBA Color Health).